The following is an entry in ClinVar:

ClinVar aggregate classification (germline): Likely benign. Review status: criteria provided, multiple submitters, no conflicts (2 of 4 stars). 2 submissions from 2 submitters: Likely benign (2). Last evaluated 2026-09-01.

Allele frequency attached by ClinVar (database versions not stated): 1000 Genomes Project 0.00080; 1000 Genomes Project 30x 0.00094.
gnomAD v4.1: 387 of 1,561,498 alleles (0.025%); highest among the groups gnomAD compares: Middle Eastern, 0.23%; 3 homozygotes.

Submissions (2):

CeGaT Center for Human Genetics Tuebingen
Classification: Likely benign. Last evaluated: 2026-09-01. Review status: criteria provided, single submitter. Criteria: CeGaT Center For Human Genetics Tuebingen Variant Classification Criteria Version 2. Collection method: clinical testing. Allele origin: germline. Affected: yes. Observed: 8 variant alleles.
Comment: INTS1: BP4, BP7

Blueprint Genetics
Classification: Likely benign. Last evaluated: 2024-10-22. Review status: criteria provided, single submitter. Criteria: ACMG Guidelines, 2015. Collection method: clinical testing. Allele origin: germline.

NM_001080453.3(INTS1):c.3891C>T (p.Gly1297=)

Gene: INTS1 (integrator complex subunit 1; minus strand). Cytogenetic location: 7p22.3.
Variant type: single nucleotide variant.
Coding change: c.3891C>T on transcript NM_001080453.3 (MANE Select); coding-DNA position 3891, C replaced by T.
Protein change: p.Gly1297=; no amino-acid change (glycine 1297 retained).
Molecular consequence: synonymous variant.
Genome position (GRCh38, 1-based): chr7:1,480,893, G>A on the plus strand (C>T on the coding strand, the complement: INTS1 is on the minus strand). VCF-style: chr7-1480893-G-A. GRCh37 (hg19) VCF-style: chr7-1520529-G-A.
Other names: c.408C>T, p.Gly136= (NM_015674.1).
Identifiers: ClinVar variation 2657196 (VCV002657196.25), dbSNP rs573774369, ClinGen allele CA4119043.